The following is an entry in ClinVar:

NM_014334.4(FRRS1L):c.76T>C (p.Cys26Arg)

Gene: FRRS1L (ferric chelate reductase 1 like; minus strand). Cytogenetic location: 9q31.3.
Variant type: single nucleotide variant.
Coding change: c.76T>C on transcript NM_014334.4 (MANE Select); coding-DNA position 76, T replaced by C.
Protein change: p.Cys26Arg; replaces cysteine 26 with arginine.
Molecular consequence: missense variant.
Genome position (GRCh38, 1-based): chr9:109,167,063, A>G on the plus strand (T>C on the coding strand, the complement: FRRS1L is on the minus strand). VCF-style: chr9-109167063-A-G. GRCh37 (hg19) VCF-style: chr9-111929343-A-G.
Other names: short protein forms C26R.
Identifiers: ClinVar variation 1034735 (VCV001034735.9), dbSNP rs1831563850, ClinGen allele CA374430552.
Genomic context (GRCh38, chr9:109,167,063, plus strand): 5'-CGCGTCCCCGGGGTCCCCGGCCCCCCGGGCCCGCACCGTCGTCCGCGGGGCTGGCTGCGC[A>G]GGCGGCGGGCCCCGTCAGTAGCAGCAGGAGCAGCGACGCCCAGACCCCCGGGTGCTGCCG-3'
Protein context (NP_055149.3, residues 16-36): LLLLLTGPAA[Cys26Arg]AASPADDGAG

ClinVar aggregate classification (germline): Uncertain significance (1 of 4 stars; one submission).

Conditions:
Developmental and epileptic encephalopathy, 37 (DEE37). Also called: Epileptic encephalopathy, early infantile, 37. Identifiers: MedGen C4310770, MONDO:0014859, OMIM 616981.

Submission:

Labcorp Genetics (formerly Invitae), Labcorp
Classification: Uncertain significance for Developmental and epileptic encephalopathy, 37. Last evaluated: 2020-02-17. Review status: criteria provided, single submitter. Criteria: Invitae Variant Classification Sherloc (09022015). Collection method: clinical testing. Allele origin: germline.
Comment: This sequence change replaces cysteine with arginine at codon 77 of the FRRS1L protein (p.Cys77Arg). The cysteine residue is weakly conserved and there is a large physicochemical difference between cysteine and arginine. The frequency data for this variant in the population databases is considered unreliable, as metrics indicate insufficient coverage at this position in the ExAC database. This variant has not been reported in the literature in individuals with FRRS1L-related conditions. Algorithms developed to predict the effect of missense changes on protein structure and function (SIFT, PolyPhen-2, Align-GVGD) all suggest that this variant is likely to be tolerated, but these predictions have not been confirmed by published functional studies and their clinical significance is uncertain. In summary, the available evidence is currently insufficient to determine the role of this variant in disease. Therefore, it has been classified as a Variant of Uncertain Significance.